The following is an entry in ClinVar:

ClinVar aggregate classification (germline): Conflicting classifications of pathogenicity. Review status: criteria provided, conflicting classifications (1 of 4 stars). 2 submissions from 2 submitters: Uncertain significance (1); Likely benign (1). Last evaluated 2025-11-01.

Conditions:
Inborn genetic diseases. Identifiers: MedGen C0950123, MeSH D030342.

Allele frequency attached by ClinVar (database versions not stated): gnomAD exomes 0.00002.

Submissions (2):

CeGaT Center for Human Genetics Tuebingen
Classification: Likely benign. Last evaluated: 2025-11-01. Review status: criteria provided, single submitter. Criteria: CeGaT Center For Human Genetics Tuebingen Variant Classification Criteria Version 2. Collection method: clinical testing. Allele origin: germline. Affected: yes. Observed: 1 variant allele.
Comment: SETD1B: PP3, BS2

Ambry Genetics
Classification: Uncertain significance for Inborn genetic diseases. Last evaluated: 2021-08-02. Review status: criteria provided, single submitter. Criteria: Ambry Variant Classification Scheme 2023. Collection method: clinical testing. Allele origin: germline.

NM_001353345.2(SETD1B):c.2198C>T (p.Pro733Leu)

Gene: SETD1B (SET domain containing 1B, histone lysine methyltransferase; plus strand). Cytogenetic location: 12q24.31.
Variant type: single nucleotide variant.
Coding change: c.2198C>T on transcript NM_001353345.2 (MANE Select); coding-DNA position 2198, C replaced by T.
Protein change: p.Pro733Leu; replaces proline 733 with leucine.
Molecular consequence: missense variant.
Genome position (GRCh38, 1-based): chr12:121,814,413, C>T. VCF-style: chr12-121814413-C-T. GRCh37 (hg19) VCF-style: chr12-122252319-C-T.
Other names: NM_015048.1:c.2198C>T; short protein forms P733L.
Identifiers: ClinVar variation 2241212 (VCV002241212.8), dbSNP rs1333865285, ClinGen allele CA386994139.